The following is an entry in ClinVar:

ClinVar aggregate classification (germline): Uncertain significance. Review status: criteria provided, multiple submitters, no conflicts (2 of 4 stars). 3 submissions from 3 submitters: Uncertain significance (3). Last evaluated 2023-12-08.

Conditions:
Cardiovascular phenotype. Identifiers: MedGen CN230736.

Submissions (3):

Ambry Genetics
Classification: Uncertain significance for Cardiovascular phenotype. Last evaluated: 2023-12-08. Review status: criteria provided, single submitter. Criteria: Ambry Variant Classification Scheme 2023. Collection method: clinical testing. Allele origin: germline.
Comment: The c.4131_4160del30 variant (also known as p.A1384_P1393del) is located in coding exon 23 of the TTN gene. This variant results from an in-frame ACCTGCAAGGATGTCTCCTGCACGGATGTC deletion at nucleotide positions 4131 to 4160. This results in the in-frame deletion of ten amino acids (ARMSPARMSP) at codon 1384 to 1393. This amino acid region is well conserved in available vertebrate species. In addition, this alteration is predicted to be deleterious by in silico analysis (Choi Y et al. PLoS ONE. 2012; 7(10):e46688). Since supporting evidence is limited at this time, the clinical significance of this alteration remains unclear.

Revvity Omics, Revvity
Classification: Uncertain significance. Last evaluated: 2023-02-24. Review status: criteria provided, single submitter. Criteria: ACMG Guidelines, 2015. Collection method: clinical testing. Allele origin: germline.

Laboratory for Molecular Medicine, Mass General Brigham Personalized Medicine
Classification: Uncertain significance. Last evaluated: 2013-06-27. Review status: criteria provided, single submitter. Criteria: LMM Criteria. Collection method: clinical testing. Allele origin: germline. Observed: 1 variant allele.
Comment: The Ala1430_Pro1439del variant in TTN has not been reported in individuals with cardiomyopathy. Data from large population studies is insufficient to assess the frequency of this variant. This variant is a deletion of 10 amino acid residues from a repetitive region of 5 amino acids repeats. Multiple other mammals have variation in the repeat length of this region, raising the possibility that this change may be tolerated. Additional information is still needed to fully assess the significance of this variant.

NM_001267550.2(TTN):c.4269_4298del (p.1420ARMSP[2])

Genes: TTN (titin; minus strand), LOC101927055 (uncharacterized LOC101927055; plus strand). Cytogenetic location: 2q31.2.
Variant type: Deletion.
Coding change: c.4269_4298del on transcript NM_001267550.2 (MANE Select); coding-DNA positions 4269 to 4298, 30 bases deleted (ACCTGCAAGGATGTCTCCTGCACGGATGTC).
Protein change: p.1420ARMSP[2].
Molecular consequence: inframe deletion. On other transcripts: non-coding transcript variant (1).
Genome position (GRCh38, 1-based): chr2:178,777,886-178,777,915, GACATCCGTGCAGGAGACATCCTTGCAGGT deleted on the plus strand (ACCTGCAAGGATGTCTCCTGCACGGATGTC on the coding strand, the reverse complement: TTN is on the minus strand); deleting any 30 consecutive bases within chr2:178,777,886-178,777,935 gives the same sequence; the c. name uses the placement nearest the transcript's 3' end. VCF-style (leftmost placement, unchanged base first): chr2-178777885-GGACATCCGTGCAGGAGACATCCTTGCAGGT-G. GRCh37 (hg19) VCF-style: chr2-179642612-GGACATCCGTGCAGGAGACATCCTTGCAGGT-G.
Other names: c.4131_4160del30 (NM_003319.4); c.4131_4160del, p.1374ARMSP[2] (NM_133432.3, NM_133437.4, NM_003319.4); c.4269_4298del, p.1420ARMSP[2] (NM_001256850.1, NM_133378.4, NM_133379.5).
Identifiers: ClinVar variation 166321 (VCV000166321.10), dbSNP rs727503696, ClinGen allele CA179334.